The following is an entry in ClinVar:

NM_033109.5(PNPT1):c.2011G>A (p.Asp671Asn)

Gene: PNPT1 (polyribonucleotide nucleotidyltransferase 1; minus strand). Cytogenetic location: 2p16.1.
Variant type: single nucleotide variant.
Coding change: c.2011G>A on transcript NM_033109.5 (MANE Select); coding-DNA position 2011, G replaced by A.
Protein change: p.Asp671Asn; replaces aspartic acid 671 with asparagine.
Molecular consequence: missense variant.
Genome position (GRCh38, 1-based): chr2:55,643,321, C>T on the plus strand (G>A on the coding strand, the complement: PNPT1 is on the minus strand). VCF-style: chr2-55643321-C-T. GRCh37 (hg19) VCF-style: chr2-55870456-C-T.
Other names: short protein forms D671N.
Identifiers: ClinVar variation 1938230 (VCV001938230.5), dbSNP rs1006634805, ClinGen allele CA47650148.

ClinVar aggregate classification (germline): Uncertain significance (1 of 4 stars; one submission).

Allele frequency attached by ClinVar (database versions not stated): gnomAD exomes below 0.00001.
gnomAD v4.1: 2 of 1,613,872 alleles (0.00012%); highest among the groups gnomAD compares: East Asian, 0.0022%; no homozygotes.

Submission:

Labcorp Genetics (formerly Invitae), Labcorp
Classification: Uncertain significance. Last evaluated: 2026-01-19. Review status: criteria provided, single submitter. Criteria: Invitae Variant Classification Sherloc (09022015). Collection method: clinical testing. Allele origin: germline.
Comment: This sequence change replaces aspartic acid, which is acidic and polar, with asparagine, which is neutral and polar, at codon 671 of the PNPT1 protein (p.Asp671Asn). This variant is not present in population databases (gnomAD no frequency). This variant has not been reported in the literature in individuals affected with PNPT1-related conditions. ClinVar contains an entry for this variant (Variation ID: 1938230). An algorithm developed to predict the effect of missense changes on protein structure and function (PolyPhen-2) suggests that this variant is likely to be tolerated. In summary, the available evidence is currently insufficient to determine the role of this variant in disease. Therefore, it has been classified as a Variant of Uncertain Significance.